The following is an entry in ClinVar:

ClinVar aggregate classification (germline): Likely benign (1 of 4 stars; one submission).

Conditions:
Marfan syndrome (MFS). Also called: MARFAN SYNDROME, TYPE I; Marfan syndrome type 1; Marfan's syndrome; Marfan syndrome, classic; FBN1-Related Marfan Syndrome. Identifiers: Orphanet 284963, Orphanet 558, MedGen C0024796, MONDO:0007947, OMIM 154700.

Submission:

All of Us Research Program, National Institutes of Health
Classification: Likely benign for Marfan syndrome. Last evaluated: 2023-10-02. Review status: criteria provided, single submitter. Criteria: ACMG Guidelines, 2015. Collection method: clinical testing. Allele origin: germline. Inheritance: Autosomal dominant inheritance. Observed: 1 variant allele, 1 heterozygote.
Comment: This study involves interpretation of variants in research participants for the purpose of population health screening. Participant phenotype was not available at the time of variant classification. Additional details can be found in publication PMID: 35346344, PMCID: PMC8962531

NM_000138.5(FBN1):c.3396A>G (p.Thr1132=)

Gene: FBN1 (fibrillin 1; minus strand). Cytogenetic location: 15q21.1.
Variant type: single nucleotide variant.
Coding change: c.3396A>G on transcript NM_000138.5 (MANE Select); coding-DNA position 3396, A replaced by G.
Protein change: p.Thr1132=; no amino-acid change (threonine 1132 retained).
Molecular consequence: synonymous variant.
Genome position (GRCh38, 1-based): chr15:48,487,379, T>C on the plus strand (A>G on the coding strand, the complement: FBN1 is on the minus strand). VCF-style: chr15-48487379-T-C. GRCh37 (hg19) VCF-style: chr15-48779576-T-C.
Other names: c.3396A>G, p.Thr1132= (NM_001406716.1).
Identifiers: ClinVar variation 3073531 (VCV003073531.1), dbSNP rs2505550317, ClinGen allele CA490018294.